The following is an entry in ClinVar:

NM_001943.5(DSG2):c.734A>C (p.Asn245Thr)

Gene: DSG2 (desmoglein 2; plus strand). Cytogenetic location: 18q12.1.
Variant type: single nucleotide variant.
Coding change: c.734A>C on transcript NM_001943.5 (MANE Select); coding-DNA position 734, A replaced by C.
Protein change: p.Asn245Thr; replaces asparagine 245 with threonine.
Molecular consequence: missense variant.
Genome position (GRCh38, 1-based): chr18:31,524,491, A>C. VCF-style: chr18-31524491-A-C. GRCh37 (hg19) VCF-style: chr18-29104454-A-C.
Other names: short protein forms N245T.
Identifiers: ClinVar variation 4756713 (VCV004756713.1).

ClinVar aggregate classification (germline): Uncertain significance (1 of 4 stars; one submission).

Conditions:
Cardiomyopathy (CMYO). Also called: Cardiomyopathies. Identifiers: Orphanet 167848, MedGen C0878544, MONDO:0004994, HP:0001638. Inheritance: Various modes of inheritance.

Submission:

Color Diagnostics, LLC DBA Color Health
Classification: Uncertain significance for Cardiomyopathy. Last evaluated: 2025-07-08. Review status: criteria provided, single submitter. Criteria: ACMG Guidelines, 2015. Collection method: clinical testing. Allele origin: germline.
Comment: This missense variant replaces asparagine with threonine at codon 245 of the DSG2 protein. Computational prediction suggests that this variant may not impact protein structure and function. To our knowledge, functional studies have not been reported for this variant. This variant has not been reported in individuals affected with DSG2-related disorders in the literature. This variant has not been identified in the general population by the Genome Aggregation Database (gnomAD). The available evidence is insufficient to determine the role of this variant in disease conclusively. Therefore, this variant is classified as a Variant of Uncertain Significance.